The following is an entry in ClinVar:

NM_002693.3(POLG):c.3105-8T>A

Gene: POLG (DNA polymerase gamma, catalytic subunit; minus strand). Cytogenetic location: 15q26.1.
Variant type: single nucleotide variant.
Coding change: c.3105-8T>A on transcript NM_002693.3 (MANE Select); 8 bases into the intron before coding-DNA position 3105, T replaced by A.
Molecular consequence: intron variant.
Genome position (GRCh38, 1-based): chr15:89,319,107, A>T on the plus strand (T>A on the coding strand, the complement: POLG is on the minus strand). VCF-style: chr15-89319107-A-T. GRCh37 (hg19) VCF-style: chr15-89862338-A-T.
Other names: c.3105-8T>A (NM_001126131.2).
Identifiers: ClinVar variation 380436 (VCV000380436.2), dbSNP rs765339818, ClinGen allele CA7724229.
Genomic context (GRCh38, chr15:89,319,107, plus strand): 5'-TGCCCCCCTTCCATGCCCGTTCAGCAACCACCTCCCACTTCTTCCACTGTGACCTAAGGG[A>T]CCAGAAACAGAGGGCAGACTTTGTCTTTCAGCATCTCAAAGCTAAAAAACAAAGCATCCA-3'

ClinVar aggregate classification (germline): Likely benign. Review status: criteria provided, multiple submitters, no conflicts (2 of 4 stars). 2 submissions from 2 submitters: Likely benign (2). Last evaluated 2025-07-30.

Conditions:
Progressive sclerosing poliodystrophy (MTDPS4A). Also called: ALPERS PROGRESSIVE INFANTILE POLIODYSTROPHY; NEURONAL DEGENERATION OF CHILDHOOD WITH LIVER DISEASE, PROGRESSIVE; Alpers-Huttenlocher Syndrome (AHS); Alpers Syndrome; Mitochondrial DNA Depletion Syndrome 4A; ALPERS DIFFUSE DEGENERATION OF CEREBRAL GRAY MATTER WITH HEPATIC CIRRHOSIS. Identifiers: Orphanet 726, MedGen C0205710, MONDO:0008758, OMIM 203700.

Allele frequency attached by ClinVar (database versions not stated): gnomAD exomes 0.00001; ExAC 0.00002.
gnomAD v4.1: 3 of 1,614,104 alleles (0.00019%); highest among the groups gnomAD compares: Non-Finnish European, 0.00017%; no homozygotes.

Submissions (2):

Labcorp Genetics (formerly Invitae), Labcorp
Classification: Likely benign for Progressive sclerosing poliodystrophy. Last evaluated: 2025-07-30. Review status: criteria provided, single submitter. Criteria: Invitae Variant Classification Sherloc (09022015). Collection method: clinical testing. Allele origin: germline.

GeneDx
Classification: Likely benign. Last evaluated: 2015-09-04. Review status: criteria provided, single submitter. Criteria: GeneDx Variant Classification (06012015). Collection method: clinical testing. Allele origin: germline. Affected: yes.
Comment: This variant is considered likely benign or benign based on one or more of the following criteria: it is a conservative change, it occurs at a poorly conserved position in the protein, it is predicted to be benign by multiple in silico algorithms, and/or has population frequency not consistent with disease.